The following is an entry in ClinVar:

NM_002473.6(MYH9):c.952A>G (p.Met318Val)

Gene: MYH9 (myosin heavy chain 9; minus strand). Cytogenetic location: 22q12.3.
Variant type: single nucleotide variant.
Coding change: c.952A>G on transcript NM_002473.6 (MANE Select); coding-DNA position 952, A replaced by G.
Protein change: p.Met318Val; replaces methionine 318 with valine.
Molecular consequence: missense variant.
Genome position (GRCh38, 1-based): chr22:36,320,280, T>C on the plus strand (A>G on the coding strand, the complement: MYH9 is on the minus strand). VCF-style: chr22-36320280-T-C. GRCh37 (hg19) VCF-style: chr22-36716325-T-C.
Other names: c.952A>G (NM_002473.5); short protein forms M318V.
Identifiers: ClinVar variation 517657 (VCV000517657.5), dbSNP rs758951998, ClinGen allele CA10210416.

ClinVar aggregate classification (germline): Conflicting classifications of pathogenicity. Review status: criteria provided, conflicting classifications (1 of 4 stars). 3 submissions from 3 submitters: Uncertain significance (2); Likely benign (1). Last evaluated 2025-11-08.

Conditions:
Inborn genetic diseases. Identifiers: MedGen C0950123, MeSH D030342.

Allele frequency attached by ClinVar (database versions not stated): ExAC 0.00003.
gnomAD v4.1: 8 of 1,614,228 alleles (0.0005%); highest among the groups gnomAD compares: South Asian, 0.0011%; no homozygotes.

Submissions (3):

Mayo Clinic Laboratories, Mayo Clinic
Classification: Uncertain significance. Last evaluated: 2025-11-08. Review status: criteria provided, single submitter. Criteria: ACMG Guidelines, 2015. Collection method: clinical testing. Allele origin: germline. Observed: 1 variant allele.
Comment: BP4_moderate, PP2, PM1

Ambry Genetics
Classification: Uncertain significance for Inborn genetic diseases. Last evaluated: 2025-10-17. Review status: criteria provided, single submitter. Criteria: Ambry Variant Classification Scheme 2023. Collection method: clinical testing. Allele origin: germline.

Laboratory for Molecular Medicine, Mass General Brigham Personalized Medicine
Classification: Likely benign. Last evaluated: 2018-02-27. Review status: criteria provided, single submitter. Criteria: LMM Criteria. Collection method: clinical testing. Allele origin: germline. Observed: 2 variant alleles.
Comment: The p.Met318Val variant in MYH9 is not expected to have clinical significance be cause it has been identified in an unaffected parent of a proband with hearing l oss by our laboratory. The thrombocytopenia and enlarged platelets (macrothromb ocytopenia) is estimated to be fully penetrant in individuals with MYH9-related disorder. Furthermore, computational prediction tools and conservation analysis suggest that this variant may not impact the protein. It has been identified i n 3/111720 European chromosomes by the Genome Aggregation Database (gnomAD; dbSNP rs758951998). ACMG/AMP Criteria applied: BS 2; BP4; PM2.